The following is an entry in ClinVar:

ClinVar aggregate classification (germline): Conflicting classifications of pathogenicity. Review status: criteria provided, conflicting classifications (1 of 4 stars). 7 submissions from 7 submitters: Uncertain significance (1); Likely benign (5). 1 of the submissions does not count toward it. Last evaluated 2026-09-01.

Conditions:
Familial sleep-related hypermotor epilepsy. Also called: Autosomal Dominant Sleep-Related Hypermotor (Hyperkinetic) Epilepsy. Identifiers: Orphanet 98784, MedGen C3696898, MONDO:0000030.
CHRNB2-related disorder. Also called: CHRNB2-related condition.
Inborn genetic diseases. Identifiers: MedGen C0950123, MeSH D030342.

Allele frequency attached by ClinVar (database versions not stated): ExAC below 0.00001; gnomAD 0.00005; gnomAD exomes 0.00005 and 0.00037; TOPMed 0.00020.
gnomAD v4.1: 72 of 1,532,470 alleles (0.0047%); highest among the groups gnomAD compares: Admixed American, 0.13%; no homozygotes.

Submissions (7):

CeGaT Center for Human Genetics Tuebingen
Classification: Likely benign. Last evaluated: 2026-09-01. Review status: criteria provided, single submitter. Criteria: CeGaT Center For Human Genetics Tuebingen Variant Classification Criteria Version 2. Collection method: clinical testing. Allele origin: germline. Affected: yes. Observed: 1 variant allele.
Comment: CHRNB2: BP4, BP7

Labcorp Genetics (formerly Invitae), Labcorp
Classification: Likely benign. Last evaluated: 2026-01-19. Review status: criteria provided, single submitter. Criteria: Invitae Variant Classification Sherloc (09022015). Collection method: clinical testing. Allele origin: germline.

Blueprint Genetics
Classification: Likely benign. Last evaluated: 2023-12-14. Review status: criteria provided, single submitter. Criteria: ACMG Guidelines, 2015. Collection method: clinical testing. Allele origin: germline.

Eurofins Ntd Llc (ga)
Classification: Uncertain significance. Last evaluated: 2018-04-09. Review status: criteria provided, single submitter. Criteria: EGL ClinVar v180209 classification definitions. Collection method: clinical testing. Allele origin: germline. Observed: 1 variant allele, 1 heterozygote.

Ambry Genetics
Classification: Likely benign for Inborn genetic diseases. Last evaluated: 2018-01-31. Review status: criteria provided, single submitter. Criteria: Ambry Variant Classification Scheme 2023. Collection method: clinical testing. Allele origin: germline.

GeneDx
Classification: Likely benign. Last evaluated: 2017-07-24. Review status: criteria provided, single submitter. Criteria: GeneDx Variant Classification (06012015). Collection method: clinical testing. Allele origin: germline. Affected: yes.
Comment: This variant is considered likely benign or benign based on one or more of the following criteria: it is a conservative change, it occurs at a poorly conserved position in the protein, it is predicted to be benign by multiple in silico algorithms, and/or has population frequency not consistent with disease.

PreventionGenetics, part of Exact Sciences
Classification: Likely benign for CHRNB2-related condition. Last evaluated: 2024-08-09. Review status: no assertion criteria provided. Collection method: clinical testing. Allele origin: germline. Not counted in ClinVar's aggregate classification.
Comment: This variant is classified as likely benign based on ACMG/AMP sequence variant interpretation guidelines (Richards et al. 2015 PMID: 25741868, with internal and published modifications).

NM_000748.3(CHRNB2):c.1236C>T (p.Gly412=)

Gene: CHRNB2 (cholinergic receptor nicotinic beta 2 subunit; plus strand). Cytogenetic location: 1q21.3.
Variant type: single nucleotide variant.
Coding change: c.1236C>T on transcript NM_000748.3 (MANE Select); coding-DNA position 1236, C replaced by T.
Protein change: p.Gly412=; no amino-acid change (glycine 412 retained).
Molecular consequence: synonymous variant.
Genome position (GRCh38, 1-based): chr1:154,572,059, C>T. VCF-style: chr1-154572059-C-T. GRCh37 (hg19) VCF-style: chr1-154544535-C-T.
Identifiers: ClinVar variation 416088 (VCV000416088.20), dbSNP rs767533378, ClinGen allele CA1130842.
Genomic context (GRCh38, chr1:154,572,059, plus strand): 5'-CCGCGCGTCGGTGCAGGGGTTGGCCGGGGCCTTCGGGGCTGAGCCTGCACCAGTGGCGGG[C>T]CCCGGGCGCTCAGGGGAGCCGTGTGGCTGTGGCCTCCGGGAGGCGGTGGACGGCGTGCGC-3'
Protein context (NP_000739.1, residues 402-422): AFGAEPAPVA[Gly412=]PGRSGEPCGC